The following is an entry in ClinVar:

NM_004431.5(EPHA2):c.1582+6T>C

Gene: EPHA2 (EPH receptor A2; minus strand). Cytogenetic location: 1p36.13.
Variant type: single nucleotide variant.
Coding change: c.1582+6T>C on transcript NM_004431.5 (MANE Select); 6 bases into the intron after coding-DNA position 1582, T replaced by C.
Molecular consequence: intron variant.
Genome position (GRCh38, 1-based): chr1:16,135,030, A>G on the plus strand (T>C on the coding strand, the complement: EPHA2 is on the minus strand). VCF-style: chr1-16135030-A-G. GRCh37 (hg19) VCF-style: chr1-16461525-A-G.
Other names: c.1420+6T>C (NM_001329090.2); c.1582+6T>C (NM_004431.4).
Identifiers: ClinVar variation 3025901 (VCV003025901.23), dbSNP rs374461883, ClinGen allele CA625138.

ClinVar aggregate classification (germline): Uncertain significance. Review status: criteria provided, single submitter (1 of 4 stars). 2 submissions from 2 submitters: Uncertain significance (1). 1 of the submissions does not count toward it. Last evaluated 2024-01-01.

Conditions:
EPHA2-related disorder. Also called: EPHA2-related condition.

Allele frequency attached by ClinVar (database versions not stated): gnomAD exomes 0.00001; TOPMed 0.00012; ESP Exome Variant Server 0.00015; 1000 Genomes Project 30x 0.00016; 1000 Genomes Project 0.00020; ExAC 0.00003; gnomAD 0.00012.
gnomAD v4.1: 37 of 1,611,676 alleles (0.0023%); highest among the groups gnomAD compares: African/African-American, 0.041%; no homozygotes.

Submissions (2):

CeGaT Center for Human Genetics Tuebingen
Classification: Uncertain significance. Last evaluated: 2024-01-01. Review status: criteria provided, single submitter. Criteria: CeGaT Center For Human Genetics Tuebingen Variant Classification Criteria Version 2. Collection method: clinical testing. Allele origin: germline. Affected: yes. Observed: 1 variant allele.

PreventionGenetics, part of Exact Sciences
Classification: Likely benign for EPHA2-related condition. Last evaluated: 2019-06-27. Review status: no assertion criteria provided. Collection method: clinical testing. Allele origin: germline. Not counted in ClinVar's aggregate classification.
Comment: This variant is classified as likely benign based on ACMG/AMP sequence variant interpretation guidelines (Richards et al. 2015 PMID: 25741868, with internal and published modifications).